The following is an entry in ClinVar:

ClinVar aggregate classification (germline): Uncertain significance. Review status: criteria provided, multiple submitters, no conflicts (2 of 4 stars). 3 submissions from 3 submitters: Uncertain significance (3). Last evaluated 2023-11-10.

Conditions:
Microcephaly and chorioretinopathy 1. Also called: Microcephaly and chorioretinopathy, autosomal recessive, 1. Identifiers: MedGen C3278481, MONDO:0009624, OMIM 251270.

Allele frequency attached by ClinVar (database versions not stated): gnomAD exomes 0.00001 and 0.00002; gnomAD 0.00007 and 0.00009; TOPMed 0.00009.
gnomAD v4.1: 43 of 1,571,468 alleles (0.0027%); highest among the groups gnomAD compares: African/African-American, 0.024%; no homozygotes.

Submissions (3):

Daryl Scott Lab, Baylor College of Medicine
Classification: Uncertain significance for Microcephaly and chorioretinopathy 1. Last evaluated: 2023-11-10. Review status: criteria provided, single submitter. Criteria: ACMG Guidelines, 2015. Collection method: clinical testing. Allele origin: biparental. Observed: 1 homozygote.

Labcorp Genetics (formerly Invitae), Labcorp
Classification: Uncertain significance. Last evaluated: 2022-08-26. Review status: criteria provided, single submitter. Criteria: Invitae Variant Classification Sherloc (09022015). Collection method: clinical testing. Allele origin: germline.
Comment: This sequence change replaces valine, which is neutral and non-polar, with alanine, which is neutral and non-polar, at codon 447 of the TUBGCP6 protein (p.Val447Ala). The frequency data for this variant in the population databases is considered unreliable, as metrics indicate poor data quality at this position in the gnomAD database. This variant has not been reported in the literature in individuals affected with TUBGCP6-related conditions. ClinVar contains an entry for this variant (Variation ID: 836961). Algorithms developed to predict the effect of missense changes on protein structure and function output the following: SIFT: "Deleterious"; PolyPhen-2: "Probably Damaging"; Align-GVGD: "Class C0". The alanine amino acid residue is found in multiple mammalian species, which suggests that this missense change does not adversely affect protein function. In summary, the available evidence is currently insufficient to determine the role of this variant in disease. Therefore, it has been classified as a Variant of Uncertain Significance.

Foundation for Research in Genetics and Endocrinology, FRIGE's Institute of Human Genetics
Classification: Uncertain significance for Microcephaly and chorioretinopathy 1. Last evaluated: 2022-01-08. Review status: criteria provided, single submitter. Criteria: ACMG Guidelines, 2015. Collection method: clinical testing. Allele origin: germline. Inheritance: Autosomal dominant inheritance. Affected: yes. Observed: 1 heterozygote.
Comment: A heterozygous missense variation in exon 5 of the TUBGCP6 gene (chr22:g.50227979A>G; Depth: 303x) that results in the amino acid substitution of Alanine for Valine at codon 447 (p.Val447Ala; ENST00000248846.10) was detected. The p.Val447Ala variant has not been reported in the 1000 genomes database and has a minor allele frequency of 0.009% in the gnomAD database. The in silico predictions of the variant are possibly damaging by PolyPhen-2 (HumDiv) and damaging by SIFT. The reference codon is conserved across species.

NM_020461.4(TUBGCP6):c.1340T>C (p.Val447Ala)

Gene: TUBGCP6 (tubulin gamma complex component 6; minus strand). Cytogenetic location: 22q13.33.
Variant type: single nucleotide variant.
Coding change: c.1340T>C on transcript NM_020461.4 (MANE Select); coding-DNA position 1340, T replaced by C.
Protein change: p.Val447Ala; replaces valine 447 with alanine.
Molecular consequence: missense variant.
Genome position (GRCh38, 1-based): chr22:50,227,979, A>G on the plus strand (T>C on the coding strand, the complement: TUBGCP6 is on the minus strand). VCF-style: chr22-50227979-A-G. GRCh37 (hg19) VCF-style: chr22-50666408-A-G.
Other names: p.Val447Ala; short protein forms V447A.
Identifiers: ClinVar variation 836961 (VCV000836961.7), dbSNP rs985345843, ClinGen allele CA325468173.